The following is an entry in ClinVar:

ClinVar aggregate classification (germline): Likely benign (1 of 4 stars; one submission).

Conditions:
PLXNA2-related disorder. Also called: PLXNA2-related condition.

gnomAD v4.1: 9 of 1,614,164 alleles (0.00056%); highest among the groups gnomAD compares: African/African-American, 0.0093%; no homozygotes.

Submission:

PreventionGenetics, part of Exact Sciences
Classification: Likely benign for PLXNA2-related condition. Last evaluated: 2026-09-10. Review status: criteria provided, single submitter. Criteria: ACMG Guidelines, 2015. Collection method: clinical testing. Allele origin: germline.
Comment: This variant is classified as likely benign based on ACMG/AMP sequence variant interpretation guidelines (Richards et al. 2015 PMID: 25741868, with internal and published modifications).

NM_025179.4(PLXNA2):c.2202G>A (p.Gln734=)

Gene: PLXNA2 (plexin A2; minus strand). Cytogenetic location: 1q32.2.
Variant type: single nucleotide variant.
Coding change: c.2202G>A on transcript NM_025179.4 (MANE Select); coding-DNA position 2202, G replaced by A.
Protein change: p.Gln734=; no amino-acid change (glutamine 734 retained).
Molecular consequence: synonymous variant.
Genome position (GRCh38, 1-based): chr1:208,084,476, C>T on the plus strand (G>A on the coding strand, the complement: PLXNA2 is on the minus strand). VCF-style: chr1-208084476-C-T. GRCh37 (hg19) VCF-style: chr1-208257821-C-T.
Identifiers: ClinVar variation 4989214 (VCV004989214.1).